The following is an entry in ClinVar:

ClinVar aggregate classification (germline): Uncertain significance. Review status: criteria provided, multiple submitters, no conflicts (2 of 4 stars). 3 submissions from 3 submitters: Uncertain significance (3). Last evaluated 2024-05-15.

Conditions:
Aicardi-Goutieres syndrome 6 (AGS6). Identifiers: Orphanet 51, MedGen C3539013, MONDO:0014007, OMIM 615010.
Inborn genetic diseases. Identifiers: MedGen C0950123, MeSH D030342.
Symmetrical dyschromatosis of extremities (DSH). Also called: Dyschromatosis symmetrica hereditaria; DYSCHROMATOSIS SYMMETRICA HEREDITARIA 1; RETICULATE ACROPIGMENTATION OF DOHI; SYMMETRIC DYSCHROMATOSIS OF THE EXTREMITIES. Identifiers: Orphanet 41, MedGen C0406775, MONDO:0007483, OMIM 127400.

Allele frequency attached by ClinVar (database versions not stated): TOPMed below 0.00001; gnomAD exomes 0.00001 and 0.00002; ExAC 0.00002; ESP Exome Variant Server 0.00008.
gnomAD v4.1: 13 of 1,614,154 alleles (0.00081%); highest among the groups gnomAD compares: Non-Finnish European, 0.0011%; no homozygotes.

Submissions (3):

Labcorp Genetics (formerly Invitae), Labcorp
Classification: Uncertain significance for Aicardi-Goutieres syndrome 6; Symmetrical dyschromatosis of extremities. Last evaluated: 2024-05-15. Review status: criteria provided, single submitter. Criteria: Invitae Variant Classification Sherloc (09022015). Collection method: clinical testing. Allele origin: germline.
Comment: This sequence change replaces lysine, which is basic and polar, with glutamic acid, which is acidic and polar, at codon 944 of the ADAR protein (p.Lys944Glu). This variant is present in population databases (rs373564780, gnomAD 0.004%). This variant has not been reported in the literature in individuals affected with ADAR-related conditions. ClinVar contains an entry for this variant (Variation ID: 859647). Advanced modeling of protein sequence and biophysical properties (such as structural, functional, and spatial information, amino acid conservation, physicochemical variation, residue mobility, and thermodynamic stability) performed at Invitae indicates that this missense variant is not expected to disrupt ADAR protein function with a negative predictive value of 80%. In summary, the available evidence is currently insufficient to determine the role of this variant in disease. Therefore, it has been classified as a Variant of Uncertain Significance.

Genome-Nilou Lab
Classification: Uncertain significance for Aicardi-Goutieres syndrome 6. Last evaluated: 2023-04-11. Review status: criteria provided, single submitter. Criteria: ACMG Guidelines, 2015. Collection method: clinical testing. Allele origin: germline. Affected: no.

Ambry Genetics
Classification: Uncertain significance for Inborn genetic diseases. Last evaluated: 2021-08-13. Review status: criteria provided, single submitter. Criteria: Ambry Variant Classification Scheme 2023. Collection method: clinical testing. Allele origin: germline.

NM_001111.5(ADAR):c.2830A>G (p.Lys944Glu)

Gene: ADAR (adenosine deaminase RNA specific; minus strand). Cytogenetic location: 1q21.3.
Variant type: single nucleotide variant.
Coding change: c.2830A>G on transcript NM_001111.5 (MANE Select); coding-DNA position 2830, A replaced by G.
Protein change: p.Lys944Glu; replaces lysine 944 with glutamic acid.
Molecular consequence: missense variant.
Genome position (GRCh38, 1-based): chr1:154,588,606, T>C on the plus strand (A>G on the coding strand, the complement: ADAR is on the minus strand). VCF-style: chr1-154588606-T-C. GRCh37 (hg19) VCF-style: chr1-154561082-T-C.
Other names: c.1945A>G, p.Lys649Glu (NM_001025107.3, NM_001193495.2, NM_001365046.1 and 2 more transcripts); c.2857A>G, p.Lys953Glu (NM_001365045.1); c.1867A>G, p.Lys623Glu (NM_001365049.1); c.2752A>G, p.Lys918Glu (NM_015840.4); c.2695A>G, p.Lys899Glu (NM_015841.4); short protein forms K649E, K899E, K953E, K944E, K623E, K918E.
Identifiers: ClinVar variation 859647 (VCV000859647.11), dbSNP rs373564780, ClinGen allele CA1131138.